The following is an entry in ClinVar:

ClinVar aggregate classification (germline): Benign/Likely benign. Review status: criteria provided, multiple submitters, no conflicts (2 of 4 stars). 5 submissions from 5 submitters: Benign (1); Likely benign (4). Last evaluated 2026-01-19.

Conditions:
TSC2-related disorder. Also called: TSC2-related condition; TSC2-Related Disorders.
Tuberous sclerosis 2 (TSC2). Identifiers: Orphanet 805, MedGen C1860707, MONDO:0013199, OMIM 613254.

Allele frequency attached by ClinVar (database versions not stated): gnomAD 0.00001; TOPMed 0.00001.
gnomAD v4.1: 8 of 1,608,842 alleles (0.0005%); highest among the groups gnomAD compares: African/African-American, 0.0013%; no homozygotes.

Submissions (5):

Labcorp Genetics (formerly Invitae), Labcorp
Classification: Likely benign for Tuberous sclerosis 2. Last evaluated: 2026-01-19. Review status: criteria provided, single submitter. Criteria: Invitae Variant Classification Sherloc (09022015). Collection method: clinical testing. Allele origin: germline.

Myriad Genetics, Inc.
Classification: Likely benign for Tuberous sclerosis 2. Last evaluated: 2025-05-08. Review status: criteria provided, single submitter. Criteria: Myriad Autosomal Dominant, Autosomal Recessive and X-Linked Classification Criteria (2023). Collection method: clinical testing. Allele origin: unknown.
Comment: This variant is considered likely benign. This variant is intronic and is not expected to impact mRNA splicing.

PreventionGenetics, part of Exact Sciences
Classification: Likely benign for TSC2-related condition. Last evaluated: 2025-02-11. Review status: criteria provided, single submitter. Criteria: ACMG Guidelines, 2015. Collection method: clinical testing. Allele origin: germline.
Comment: This variant is classified as likely benign based on ACMG/AMP sequence variant interpretation guidelines (Richards et al. 2015 PMID: 25741868, with internal and published modifications).

Genome-Nilou Lab
Classification: Benign for Tuberous sclerosis 2. Last evaluated: 2021-11-07. Review status: criteria provided, single submitter. Criteria: ACMG Guidelines, 2015. Collection method: clinical testing. Allele origin: germline. Affected: no.

GeneDx
Classification: Likely benign. Last evaluated: 2016-08-02. Review status: criteria provided, single submitter. Criteria: GeneDx Variant Classification (06012015). Collection method: clinical testing. Allele origin: germline. Affected: yes.
Comment: This variant is considered likely benign or benign based on one or more of the following criteria: it is a conservative change, it occurs at a poorly conserved position in the protein, it is predicted to be benign by multiple in silico algorithms, and/or has population frequency not consistent with disease.

NM_000548.5(TSC2):c.599+10G>C

Gene: TSC2 (TSC complex subunit 2; plus strand). Cytogenetic location: 16p13.3.
Variant type: single nucleotide variant.
Coding change: c.599+10G>C on transcript NM_000548.5 (MANE Select); 10 bases into the intron after coding-DNA position 599, G replaced by C.
Molecular consequence: intron variant.
Genome position (GRCh38, 1-based): chr16:2,055,529, G>C. VCF-style: chr16-2055529-G-C. GRCh37 (hg19) VCF-style: chr16-2105530-G-C.
Other names: c.599+10G>C (NM_001114382.3, NM_021055.3, NM_001370405.1 and 4 more transcripts); c.488+10G>C (NM_001318827.2); c.-1-667G>C (NM_001318831.2); c.452+10G>C (NM_001318829.2); c.632+10G>C (NM_001318832.2).
Identifiers: ClinVar variation 388112 (VCV000388112.15), dbSNP rs1037449903, ClinGen allele CA16607278.
Genomic context (GRCh38, chr16:2,055,529, plus strand): 5'-GGTCAAATTCAATAGCTGTTACCTCGACGAGTACATCGCAAGGATGGTTCAGTAAGAAAA[G>C]AATTGAGATCCTGTTCTGATAATGGTCCTAAGTTCAGCTCCGCAGTGAATAAAGTTGAAA-3'